The following is an entry in ClinVar:

ClinVar aggregate classification (germline): Uncertain significance (1 of 4 stars; one submission).

gnomAD v4.1: 127 of 1,232,598 alleles (0.01%); highest among the groups gnomAD compares: East Asian, 0.078%; no homozygotes.

Submission:

Labcorp Genetics (formerly Invitae), Labcorp
Classification: Uncertain significance. Last evaluated: 2024-05-01. Review status: criteria provided, single submitter. Criteria: Invitae Variant Classification Sherloc (09022015). Collection method: clinical testing. Allele origin: germline.
Comment: This sequence change affects codon 179 of the BHLHA9 mRNA. It is a 'silent' change, meaning that it does not change the encoded amino acid sequence of the BHLHA9 protein. This variant is present in population databases (no rsID available, gnomAD 0.4%). This variant has not been reported in the literature in individuals affected with BHLHA9-related conditions. In summary, the available evidence is currently insufficient to determine the role of this variant in disease. Therefore, it has been classified as a Variant of Uncertain Significance.

NM_001164405.2(BHLHA9):c.537C>T (p.Cys179=)

Gene: BHLHA9 (basic helix-loop-helix family member a9; plus strand). Cytogenetic location: 17p13.3.
Variant type: single nucleotide variant.
Coding change: c.537C>T on transcript NM_001164405.2 (MANE Select); coding-DNA position 537, C replaced by T.
Protein change: p.Cys179=; no amino-acid change (cysteine 179 retained).
Molecular consequence: synonymous variant.
Genome position (GRCh38, 1-based): chr17:1,271,100, C>T. VCF-style: chr17-1271100-C-T. GRCh37 (hg19) VCF-style: chr17-1174394-C-T.
Identifiers: ClinVar variation 3713039 (VCV003713039.2).